The following is an entry in ClinVar:

ClinVar aggregate classification (germline): Pathogenic (1 of 4 stars; one submission).

Conditions:
Familial adenomatous polyposis 1 (FAP1). Also called: FAMILIAL ADENOMATOUS POLYPOSIS 1, ATTENUATED; POLYPOSIS, ADENOMATOUS INTESTINAL. Identifiers: MedGen C2713442, MONDO:0021056, OMIM 175100. Disease mechanism: loss of function.

Submission:

Labcorp Genetics (formerly Invitae), Labcorp
Classification: Pathogenic for Familial adenomatous polyposis 1. Last evaluated: 2025-04-17. Review status: criteria provided, single submitter. Criteria: Invitae Variant Classification Sherloc (09022015). Collection method: clinical testing. Allele origin: germline.
Comment: This sequence change creates a premature translational stop signal (p.Asn827Ilefs*15) in the APC gene. While this is not anticipated to result in nonsense mediated decay, it is expected to disrupt the last 2017 amino acid(s) of the APC protein. This variant is not present in population databases (gnomAD no frequency). This variant has not been reported in the literature in individuals affected with APC-related conditions. This variant is expected to disrupt the EB1 and HDLG binding sites, which mediate interactions with the cytoskeleton (PMID: 15311282, 17293347). While functional studies have not been performed to directly test the effect on APC protein function, this suggests that disruption of the C-terminal portion of the protein is functionally important. A different truncation (p.Tyr2645Lysfs*14) that lies downstream of this variant has been determined to be pathogenic (PMID: 9824584, 1316610, 27081525, 8381579, 22135120, internal data). This suggests that deletion of this region of the APC protein is causative of disease. For these reasons, this variant has been classified as Pathogenic.

Literature cited by the submitters: PubMed 15311282; PubMed 17293347; PubMed 9824584; PubMed 1316610; PubMed 27081525; PubMed 8381579; PubMed 22135120.

NM_000038.6(APC):c.2478del (p.Asn827fs)

Gene: APC (APC regulator of Wnt signaling pathway; plus strand). Cytogenetic location: 5q22.2.
Variant type: Deletion.
Coding change: c.2478del on transcript NM_000038.6 (MANE Select); coding-DNA position 2478, one base deleted (G; older notation c.2478delG).
Protein change: p.Asn827fs; shifts the reading frame from asparagine 827.
Molecular consequence: frameshift variant. On other transcripts: non-coding transcript variant (2).
Genome position (GRCh38, 1-based): chr5:112,838,072, G deleted. VCF-style (leftmost placement, unchanged base first): chr5-112838071-TG-T. GRCh37 (hg19) VCF-style: chr5-112173768-TG-T.
Other names: c.2478del, p.Asn827fs (NM_001127510.3, NM_001354895.2, NM_001407450.1); c.2424del, p.Asn809fs (NM_001127511.3); c.2532del, p.Asn845fs (NM_001354896.2, NM_001407447.1, NM_001407448.1 and 1 more transcripts); c.2508del, p.Asn837fs (NM_001354897.2); c.2403del, p.Asn802fs (NM_001354898.2); c.2394del, p.Asn799fs (NM_001354899.2); c.2355del, p.Asn786fs (NM_001354900.2); c.2301del, p.Asn768fs (NM_001354901.2, NM_001407453.1); and 11 more; short protein forms N443fs, N701fs, N786fs, N845fs, N544fs, N736fs, N799fs, N809fs.
Identifiers: ClinVar variation 4717609 (VCV004717609.1).